The following is an entry in ClinVar:

NM_001042492.3(NF1):c.3959A>C (p.Glu1320Ala)

Gene: NF1 (neurofibromin 1; plus strand). Cytogenetic location: 17q11.2.
Variant type: single nucleotide variant.
Coding change: c.3959A>C on transcript NM_001042492.3 (MANE Select); coding-DNA position 3959, A replaced by C.
Protein change: p.Glu1320Ala; replaces glutamic acid 1320 with alanine.
Molecular consequence: missense variant.
Genome position (GRCh38, 1-based): chr17:31,236,006, A>C. VCF-style: chr17-31236006-A-C. GRCh37 (hg19) VCF-style: chr17-29563024-A-C.
Other names: c.3959A>C, p.Glu1320Ala (NM_000267.4); short protein forms E1320A.
Identifiers: ClinVar variation 481913 (VCV000481913.12), dbSNP rs1555615562, ClinGen allele CA398993298.

ClinVar aggregate classification (germline): Uncertain significance. Review status: criteria provided, multiple submitters, no conflicts (2 of 4 stars). 3 submissions from 3 submitters: Uncertain significance (3). Last evaluated 2024-02-15.

Conditions:
Cardiovascular phenotype. Identifiers: MedGen CN230736.
Hereditary cancer-predisposing syndrome. Also called: Hereditary neoplastic syndrome; Neoplastic Syndromes, Hereditary; Tumor predisposition; Hereditary Cancer Syndrome. Identifiers: Orphanet 140162, MedGen C0027672, MeSH D009386, MONDO:0015356.
Juvenile myelomonocytic leukemia (JMML). Also called: LEUKEMIA, JUVENILE MYELOMONOCYTIC, SOMATIC. Identifiers: Orphanet 86834, MedGen C0349639, MONDO:0011908, OMIM 607785, HP:0012209.
Neurofibromatosis, type 1 (NF1). Also called: VON RECKLINGHAUSEN DISEASE; Peripheral type neurofibromatosis; NEUROFIBROMATOSIS, TYPE I, SOMATIC; Neurofibromatosis, type I. Identifiers: Orphanet 636, MedGen C0027831, MONDO:0018975, OMIM 162200. Disease mechanism: loss of function.

Submissions (3):

Labcorp Genetics (formerly Invitae), Labcorp
Classification: Uncertain significance for Neurofibromatosis, type 1. Last evaluated: 2024-02-15. Review status: criteria provided, single submitter. Criteria: Invitae Variant Classification Sherloc (09022015). Collection method: clinical testing. Allele origin: germline.
Comment: This sequence change replaces glutamic acid, which is acidic and polar, with alanine, which is neutral and non-polar, at codon 1320 of the NF1 protein (p.Glu1320Ala). This variant is not present in population databases (gnomAD no frequency). This variant has not been reported in the literature in individuals affected with NF1-related conditions. ClinVar contains an entry for this variant (Variation ID: 481913). Advanced modeling of protein sequence and biophysical properties (such as structural, functional, and spatial information, amino acid conservation, physicochemical variation, residue mobility, and thermodynamic stability) performed at Invitae indicates that this missense variant is expected to disrupt NF1 protein function with a positive predictive value of 95%. In summary, the available evidence is currently insufficient to determine the role of this variant in disease. Therefore, it has been classified as a Variant of Uncertain Significance.

Baylor Genetics
Classification: Uncertain significance for Juvenile myelomonocytic leukemia. Last evaluated: 2023-07-24. Review status: criteria provided, single submitter. Criteria: ACMG Guidelines, 2015. Collection method: clinical testing. Allele origin: unknown.

Ambry Genetics
Classification: Uncertain significance for Cardiovascular phenotype; Hereditary cancer-predisposing syndrome. Last evaluated: 2016-03-28. Review status: criteria provided, single submitter. Criteria: Ambry Variant Classification Scheme 2023. Collection method: clinical testing. Allele origin: germline.